The following is an entry in ClinVar:

ClinVar aggregate classification (germline): Likely benign. Review status: criteria provided, multiple submitters, no conflicts (2 of 4 stars). 4 submissions from 4 submitters: Likely benign (4). Last evaluated 2026-01-21.

Conditions:
RNASEH2C-related disorder. Also called: RNASEH2C-related condition.
Aicardi-Goutieres syndrome 3. Identifiers: Orphanet 51, MedGen C1835916, MONDO:0012471, OMIM 610329.

Allele frequency attached by ClinVar (database versions not stated): gnomAD 0.00001.
gnomAD v4.1: 19 of 1,613,922 alleles (0.0012%); highest among the groups gnomAD compares: Middle Eastern, 0.016%; no homozygotes.

Submissions (4):

Labcorp Genetics (formerly Invitae), Labcorp
Classification: Likely benign for Aicardi-Goutieres syndrome 3. Last evaluated: 2026-01-21. Review status: criteria provided, single submitter. Criteria: Invitae Variant Classification Sherloc (09022015). Collection method: clinical testing. Allele origin: germline.

PreventionGenetics, part of Exact Sciences
Classification: Likely benign for RNASEH2C-related condition. Last evaluated: 2024-10-22. Review status: criteria provided, single submitter. Criteria: ACMG Guidelines, 2015. Collection method: clinical testing. Allele origin: germline.
Comment: This variant is classified as likely benign based on ACMG/AMP sequence variant interpretation guidelines (Richards et al. 2015 PMID: 25741868, with internal and published modifications).

Blueprint Genetics
Classification: Likely benign. Last evaluated: 2024-09-21. Review status: criteria provided, single submitter. Criteria: ACMG Guidelines, 2015. Collection method: clinical testing. Allele origin: germline.

Breakthrough Genomics
Classification: Likely benign. Review status: criteria provided, single submitter. Criteria: ACMG Guidelines, 2015. Collection method: not provided. Allele origin: germline. Inheritance: Autosomal recessive inheritance. Affected: yes.

NM_032193.4(RNASEH2C):c.190C>A (p.Arg64=)

Gene: RNASEH2C (ribonuclease H2 subunit C; minus strand). Cytogenetic location: 11q13.1.
Variant type: single nucleotide variant.
Coding change: c.190C>A on transcript NM_032193.4 (MANE Select); coding-DNA position 190, C replaced by A.
Protein change: p.Arg64=; no amino-acid change (arginine 64 retained).
Molecular consequence: synonymous variant.
Genome position (GRCh38, 1-based): chr11:65,720,400, G>T on the plus strand (C>A on the coding strand, the complement: RNASEH2C is on the minus strand). VCF-style: chr11-65720400-G-T. GRCh37 (hg19) VCF-style: chr11-65487871-G-T.
Other names: c.190C>A (NM_032193.3).
Identifiers: ClinVar variation 1094372 (VCV001094372.12), dbSNP rs760270515, ClinGen allele CA6107774.